The following is an entry in ClinVar:

NM_018418.5(SPATA7):c.1730A>G (p.Asn577Ser)

Gene: SPATA7 (spermatogenesis associated 7; plus strand). Cytogenetic location: 14q31.3.
Variant type: single nucleotide variant.
Coding change: c.1730A>G on transcript NM_018418.5 (MANE Select); coding-DNA position 1730, A replaced by G.
Protein change: p.Asn577Ser; replaces asparagine 577 with serine.
Molecular consequence: missense variant.
Genome position (GRCh38, 1-based): chr14:88,438,352, A>G. VCF-style: chr14-88438352-A-G. GRCh37 (hg19) VCF-style: chr14-88904696-A-G.
Other names: c.1634A>G, p.Asn545Ser (NM_001040428.4); short protein forms N545S, N577S.
Identifiers: ClinVar variation 2095243 (VCV002095243.4), dbSNP rs2504302661, ClinGen allele CA390574125.

ClinVar aggregate classification (germline): Uncertain significance (1 of 4 stars; one submission).

Conditions:
Leber congenital amaurosis 3 (LCA3). Also called: SPATA7-Related Retinitis Pigmentosa. Identifiers: MedGen C1858677, MONDO:0011415, OMIM 604232.

Allele frequency attached by ClinVar (database versions not stated): gnomAD exomes below 0.00001.
gnomAD v4.1: 1 of 1,614,082 alleles (0.000062%); highest among the groups gnomAD compares: Non-Finnish European, 0.000085%; no homozygotes.

Submission:

Labcorp Genetics (formerly Invitae), Labcorp
Classification: Uncertain significance for Leber congenital amaurosis 3. Last evaluated: 2022-02-08. Review status: criteria provided, single submitter. Criteria: Invitae Variant Classification Sherloc (09022015). Collection method: clinical testing. Allele origin: germline.
Comment: In summary, the available evidence is currently insufficient to determine the role of this variant in disease. Therefore, it has been classified as a Variant of Uncertain Significance. Algorithms developed to predict the effect of missense changes on protein structure and function output the following: SIFT: "Tolerated"; PolyPhen-2: "Benign"; Align-GVGD: "Class C0". The serine amino acid residue is found in multiple mammalian species, which suggests that this missense change does not adversely affect protein function. This variant has not been reported in the literature in individuals affected with SPATA7-related conditions. This variant is not present in population databases (gnomAD no frequency). This sequence change replaces asparagine, which is neutral and polar, with serine, which is neutral and polar, at codon 577 of the SPATA7 protein (p.Asn577Ser).